The following is an entry in ClinVar:

ClinVar aggregate classification (germline): Uncertain significance (1 of 4 stars; one submission).

Allele frequency attached by ClinVar (database versions not stated): gnomAD exomes below 0.00001.

Submission:

Labcorp Genetics (formerly Invitae), Labcorp
Classification: Uncertain significance. Last evaluated: 2023-01-13. Review status: criteria provided, single submitter. Criteria: Invitae Variant Classification Sherloc (09022015). Collection method: clinical testing. Allele origin: germline.
Comment: In summary, the available evidence is currently insufficient to determine the role of this variant in disease. Therefore, it has been classified as a Variant of Uncertain Significance. Algorithms developed to predict the effect of missense changes on protein structure and function are either unavailable or do not agree on the potential impact of this missense change (SIFT: "Deleterious"; PolyPhen-2: "Benign"; Align-GVGD: "Class C0"). This variant has not been reported in the literature in individuals affected with RELB-related conditions. This variant is not present in population databases (gnomAD no frequency). This sequence change replaces serine, which is neutral and polar, with phenylalanine, which is neutral and non-polar, at codon 116 of the RELB protein (p.Ser116Phe).

NM_006509.4(RELB):c.347C>T (p.Ser116Phe)

Gene: RELB (RELB proto-oncogene, NF-kB subunit; plus strand). Cytogenetic location: 19q13.32.
Variant type: single nucleotide variant.
Coding change: c.347C>T on transcript NM_006509.4 (MANE Select); coding-DNA position 347, C replaced by T.
Protein change: p.Ser116Phe; replaces serine 116 with phenylalanine.
Molecular consequence: missense variant.
Genome position (GRCh38, 1-based): chr19:45,012,119, C>T. VCF-style: chr19-45012119-C-T. GRCh37 (hg19) VCF-style: chr19-45515377-C-T.
Other names: c.338C>T, p.Ser113Phe (NM_001411087.1); short protein forms S113F, S116F.
Identifiers: ClinVar variation 2828023 (VCV002828023.3), dbSNP rs2513638334, ClinGen allele CA406322178.
Genomic context (GRCh38, chr19:45,012,119, plus strand): 5'-GCCCTGTGGCGCCCCCAGCCACGCCGCCGCCTTGGGGCTGCCCCCTGGGCCGACTAGTGT[C>T]CCCAGCGCCGGGCCCGGGCCCGCAGCCGCACCTGGTCATCACGGAGCAGCCCAAGCAGCG-3'
Protein context (NP_006500.2, residues 106-126): PWGCPLGRLV[Ser116Phe]PAPGPGPQPH